The following is an entry in ClinVar:

ClinVar aggregate classification (germline): Conflicting classifications of pathogenicity. Review status: criteria provided, conflicting classifications (1 of 4 stars). 2 submissions from 2 submitters: Uncertain significance (1); Likely benign (1). Last evaluated 2026-05-18.

Conditions:
DICER1-related tumor predisposition. Also called: DICER1 syndrome; DICER1-related pleuropulmonary blastoma cancer predisposition syndrome. Identifiers: Orphanet 284343, MedGen C3839822, MONDO:0100216.
Hereditary cancer-predisposing syndrome. Also called: Tumor predisposition; Hereditary neoplastic syndrome; Neoplastic Syndromes, Hereditary; Hereditary Cancer Syndrome. Identifiers: Orphanet 140162, MedGen C0027672, MeSH D009386, MONDO:0015356.

Allele frequency attached by ClinVar (database versions not stated): gnomAD exomes below 0.00001.

Submissions (2):

Ambry Genetics
Classification: Uncertain significance for Hereditary cancer-predisposing syndrome. Last evaluated: 2026-05-18. Review status: criteria provided, single submitter. Criteria: Ambry Variant Classification Scheme 2023. Collection method: clinical testing. Allele origin: germline.
Comment: The c.2988-4dupA intronic variant, results from a duplication of a single nucleotide at position 2988-4 before coding exon 18 of the DICER1 gene. In silico splice site analysis predicts that this alteration will not have any significant effect on splicing. Based on the available evidence, the clinical significance of this variant remains unclear.

Labcorp Genetics (formerly Invitae), Labcorp
Classification: Likely benign for DICER1-related tumor predisposition. Last evaluated: 2024-04-29. Review status: criteria provided, single submitter. Criteria: Invitae Variant Classification Sherloc (09022015). Collection method: clinical testing. Allele origin: germline.

NM_177438.3(DICER1):c.2988-4dup

Gene: DICER1 (dicer 1, ribonuclease III; minus strand). Cytogenetic location: 14q32.13.
Variant type: Duplication.
Coding change: c.2988-4dup on transcript NM_177438.3 (MANE Select); 4 bases into the intron before coding-DNA position 2988, one base duplicated (A; older notation c.2988-4dupA).
Molecular consequence: intron variant. On other transcripts: non-coding transcript variant (1).
Genome position (GRCh38, 1-based): chr14:95,105,787, T duplicated on the plus strand (A on the coding strand, the reverse complement: DICER1 is on the minus strand). VCF-style (leftmost placement, unchanged base first): chr14-95105786-G-GT. GRCh37 (hg19) VCF-style: chr14-95572123-G-GT.
Other names: c.2988-4dup (NM_001291628.2, NM_030621.4, NM_001395677.1 and 12 more transcripts); c.2583-4dup (NM_001395690.1, NM_001395687.1, NM_001395689.1 and 2 more transcripts); c.2706-4dup (NM_001395686.1); c.2421-4dup (NM_001395691.1); c.1305-4dup (NM_001395697.1); c.2988-4dupA (NM_177438.2).
Identifiers: ClinVar variation 2822221 (VCV002822221.4), dbSNP rs1269736856, ClinGen allele CA616115553.